The following is an entry in ClinVar:

ClinVar aggregate classification (germline): Uncertain significance (1 of 4 stars; one submission).

Allele frequency attached by ClinVar (database versions not stated): gnomAD exomes 0.00002; ExAC 0.00003; gnomAD 0.00005; TOPMed 0.00006.
gnomAD v4.1: 39 of 1,613,574 alleles (0.0024%); highest among the groups gnomAD compares: Non-Finnish European, 0.003%; no homozygotes.

Submission:

Labcorp Genetics (formerly Invitae), Labcorp
Classification: Uncertain significance. Last evaluated: 2022-09-09. Review status: criteria provided, single submitter. Criteria: Invitae Variant Classification Sherloc (09022015). Collection method: clinical testing. Allele origin: germline.
Comment: In summary, the available evidence is currently insufficient to determine the role of this variant in disease. Therefore, it has been classified as a Variant of Uncertain Significance. Algorithms developed to predict the effect of missense changes on protein structure and function are either unavailable or do not agree on the potential impact of this missense change (SIFT: "Deleterious"; PolyPhen-2: "Benign"; Align-GVGD: "Class C25"). ClinVar contains an entry for this variant (Variation ID: 1507371). This missense change has been observed in individual(s) with Parkinson disease (PMID: 28017548). This variant is present in population databases (rs780460399, gnomAD 0.006%). This sequence change replaces arginine, which is basic and polar, with histidine, which is basic and polar, at codon 68 of the TMEM230 protein (p.Arg68His).

Literature cited by the submitters: PubMed 28017548.

NM_001009925.2(TMEM230):c.14G>A (p.Arg5His)

Gene: TMEM230 (transmembrane protein 230; minus strand). Cytogenetic location: 20p12.3.
Variant type: single nucleotide variant.
Coding change: c.14G>A on transcript NM_001009925.2 (MANE Select); coding-DNA position 14, G replaced by A.
Protein change: p.Arg5His; replaces arginine 5 with histidine.
Molecular consequence: missense variant.
Genome position (GRCh38, 1-based): chr20:5,109,417, C>T on the plus strand (G>A on the coding strand, the complement: TMEM230 is on the minus strand). VCF-style: chr20-5109417-C-T. GRCh37 (hg19) VCF-style: chr20-5090063-C-T.
Other names: c.14G>A, p.Arg5His (NM_001009924.2, NM_001330984.2, NM_001330985.2 and 4 more transcripts); short protein forms R5H.
Identifiers: ClinVar variation 1507371 (VCV001507371.8), dbSNP rs780460399, ClinGen allele CA9753457.